The following is an entry in ClinVar:

ClinVar aggregate classification (germline): Conflicting classifications of pathogenicity. Review status: criteria provided, conflicting classifications (1 of 4 stars). 2 submissions from 2 submitters: Uncertain significance (1); Likely benign (1). Last evaluated 2025-10-21.

Conditions:
Bardet-Biedl syndrome (BBS). Identifiers: Orphanet 110, MedGen C0752166, MONDO:0015229.
Inborn genetic diseases. Identifiers: MedGen C0950123, MeSH D030342.

Allele frequency attached by ClinVar (database versions not stated): ExAC 0.00001; gnomAD exomes 0.00001; 1000 Genomes Project 30x 0.00016.
gnomAD v4.1: 14 of 1,614,002 alleles (0.00087%); highest among the groups gnomAD compares: East Asian, 0.0022%; no homozygotes.

Submissions (2):

Ambry Genetics
Classification: Likely benign for Inborn genetic diseases. Last evaluated: 2025-10-21. Review status: criteria provided, single submitter. Criteria: Ambry Variant Classification Scheme 2023. Collection method: clinical testing. Allele origin: germline.

Labcorp Genetics (formerly Invitae), Labcorp
Classification: Uncertain significance for Bardet-Biedl syndrome. Last evaluated: 2022-04-24. Review status: criteria provided, single submitter. Criteria: Invitae Variant Classification Sherloc (09022015). Collection method: clinical testing. Allele origin: germline.
Comment: This sequence change replaces serine, which is neutral and polar, with leucine, which is neutral and non-polar, at codon 474 of the BBS2 protein (p.Ser474Leu). This variant is present in population databases (rs768215650, gnomAD no frequency). This variant has not been reported in the literature in individuals affected with BBS2-related conditions. Algorithms developed to predict the effect of missense changes on protein structure and function output the following: SIFT: "Tolerated"; PolyPhen-2: "Benign"; Align-GVGD: "Class C0". The leucine amino acid residue is found in multiple mammalian species, which suggests that this missense change does not adversely affect protein function. In summary, the available evidence is currently insufficient to determine the role of this variant in disease. Therefore, it has been classified as a Variant of Uncertain Significance.

NM_031885.5(BBS2):c.1421C>T (p.Ser474Leu)

Gene: BBS2 (Bardet-Biedl syndrome 2; minus strand). Cytogenetic location: 16q13.
Variant type: single nucleotide variant.
Coding change: c.1421C>T on transcript NM_031885.5 (MANE Select); coding-DNA position 1421, C replaced by T.
Protein change: p.Ser474Leu; replaces serine 474 with leucine.
Molecular consequence: missense variant. On other transcripts: non-coding transcript variant (5).
Genome position (GRCh38, 1-based): chr16:56,499,884, G>A on the plus strand (C>T on the coding strand, the complement: BBS2 is on the minus strand). VCF-style: chr16-56499884-G-A. GRCh37 (hg19) VCF-style: chr16-56533796-G-A.
Other names: c.1421C>T (NM_031885.3); c.1421C>T, p.Ser474Leu (NM_001377456.1); short protein forms S474L.
Identifiers: ClinVar variation 1976758 (VCV001976758.3), dbSNP rs768215650, ClinGen allele CA8065740.